The following is an entry in ClinVar:

ClinVar aggregate classification (germline): Uncertain significance (1 of 4 stars; one submission).

Conditions:
Nemaline myopathy 2 (NEM2). Also called: Nemaline myopathy 2, autosomal recessive. Identifiers: MedGen C1850569, MONDO:0009725, OMIM 256030.

Submission:

Labcorp Genetics (formerly Invitae), Labcorp
Classification: Uncertain significance for Nemaline myopathy 2. Last evaluated: 2022-07-06. Review status: criteria provided, single submitter. Criteria: Invitae Variant Classification Sherloc (09022015). Collection method: clinical testing. Allele origin: germline.
Comment: In summary, the available evidence is currently insufficient to determine the role of this variant in disease. Therefore, it has been classified as a Variant of Uncertain Significance. Algorithms developed to predict the effect of missense changes on protein structure and function are either unavailable or do not agree on the potential impact of this missense change (SIFT: "Deleterious"; PolyPhen-2: "Not Available"; Align-GVGD: "Class C0"). ClinVar contains an entry for this variant (Variation ID: 1409846). This variant has not been reported in the literature in individuals affected with NEB-related conditions. This variant is not present in population databases (gnomAD no frequency). This sequence change replaces aspartic acid, which is acidic and polar, with glycine, which is neutral and non-polar, at codon 3122 of the NEB protein (p.Asp3122Gly).

NM_001164508.2(NEB):c.9365A>G (p.Asp3122Gly)

Gene: NEB (nebulin; minus strand). Cytogenetic location: 2q23.3.
Variant type: single nucleotide variant.
Coding change: c.9365A>G on transcript NM_001164508.2 (MANE Select); coding-DNA position 9365, A replaced by G.
Protein change: p.Asp3122Gly; replaces aspartic acid 3122 with glycine.
Molecular consequence: missense variant. On other transcripts: intron variant (1).
Genome position (GRCh38, 1-based): chr2:151,633,703, T>C on the plus strand (A>G on the coding strand, the complement: NEB is on the minus strand). VCF-style: chr2-151633703-T-C. GRCh37 (hg19) VCF-style: chr2-152490217-T-C.
Other names: c.9365A>G, p.Asp3122Gly (NM_001164507.2, NM_001271208.2); c.8854-2525A>G (NM_004543.5); short protein forms D3122G.
Identifiers: ClinVar variation 1409846 (VCV001409846.6), dbSNP rs2154080790, ClinGen allele CA348802795.
Genomic context (GRCh38, chr2:151,633,703, plus strand): 5'-GCTGTACTCACGTCACTCTGGAGGTCATAGGCCTGCCGAGCATGGATGACATCGCTCTGG[T>C]CAGGCAGGCATGTCCACTCGTGCAGGTAGTTCTTATAGTCCACGTCACTGACTAAGGTCT-3'
Protein context (NP_001157980.2, residues 3112-3132): NYLHEWTCLP[Asp3122Gly]QSDVIHARQA